The following is an entry in ClinVar:

ClinVar aggregate classification (germline): Uncertain significance (1 of 4 stars; one submission).

Conditions:
Pierpont syndrome (PRPTS). Identifiers: Orphanet 487825, MedGen C1865644, MONDO:0011213, OMIM 602342.

Submission:

Labcorp Genetics (formerly Invitae), Labcorp
Classification: Uncertain significance for Pierpont syndrome. Last evaluated: 2025-06-02. Review status: criteria provided, single submitter. Criteria: Invitae Variant Classification Sherloc (09022015). Collection method: clinical testing. Allele origin: germline.
Comment: This sequence change replaces aspartic acid, which is acidic and polar, with glycine, which is neutral and non-polar, at codon 6 of the TBL1XR1 protein (p.Asp6Gly). This variant is not present in population databases (gnomAD no frequency). This variant has not been reported in the literature in individuals affected with TBL1XR1-related conditions. ClinVar contains an entry for this variant (Variation ID: 652238). Invitae Evidence Modeling of protein sequence and biophysical properties (such as structural, functional, and spatial information, amino acid conservation, physicochemical variation, residue mobility, and thermodynamic stability) indicates that this missense variant is expected to disrupt TBL1XR1 protein function with a positive predictive value of 95%. In summary, the available evidence is currently insufficient to determine the role of this variant in disease. Therefore, it has been classified as a Variant of Uncertain Significance.

NM_024665.7(TBL1XR1):c.17A>G (p.Asp6Gly)

Gene: TBL1XR1 (TBL1X/Y related 1; minus strand). Cytogenetic location: 3q26.32.
Variant type: single nucleotide variant.
Coding change: c.17A>G on transcript NM_024665.7 (MANE Select); coding-DNA position 17, A replaced by G.
Protein change: p.Asp6Gly; replaces aspartic acid 6 with glycine.
Molecular consequence: missense variant. On other transcripts: intron variant (2).
Genome position (GRCh38, 1-based): chr3:177,064,961, T>C on the plus strand (A>G on the coding strand, the complement: TBL1XR1 is on the minus strand). VCF-style: chr3-177064961-T-C. GRCh37 (hg19) VCF-style: chr3-176782749-T-C.
Other names: c.17A>G, p.Asp6Gly (NM_001321193.3, NM_001321194.3, NM_001374327.1 and 2 more transcripts); c.-203-11043A>G (NM_001374330.1, NM_001321195.3); short protein forms D6G.
Identifiers: ClinVar variation 652238 (VCV000652238.8), dbSNP rs1577062828, ClinGen allele CA355555158.
Genomic context (GRCh38, chr3:177,064,961, plus strand): 5'-ACTTTATAAAAGTACTCACCTGACTCTTGCAAGTATCTATATACCAAGAAGTTGACCTCA[T>C]CACTGCTTATACTCATCTTTATTCCCACTTAAACCATGAGGTCACAACACAGGATATAAC-3'
Protein context (NP_078941.2, residues 1-16): MSISS[Asp6Gly]EVNFLVYRYL